The following is an entry in ClinVar:

NM_020207.7(ERCC6L2):c.613C>T (p.Pro205Ser)

Gene: ERCC6L2 (ERCC excision repair 6 like 2; plus strand). Cytogenetic location: 9q22.32.
Variant type: single nucleotide variant.
Coding change: c.613C>T on transcript NM_020207.7 (MANE Select); coding-DNA position 613, C replaced by T.
Protein change: p.Pro205Ser; replaces proline 205 with serine.
Molecular consequence: missense variant. On other transcripts: non-coding transcript variant (1).
Genome position (GRCh38, 1-based): chr9:95,907,096, C>T. VCF-style: chr9-95907096-C-T. GRCh37 (hg19) VCF-style: chr9-98669378-C-T.
Other names: c.613C>T, p.Pro205Ser (NM_001010895.4, NM_001375291.1, NM_001375292.1 and 2 more transcripts); short protein forms P205S.
Identifiers: ClinVar variation 3845787 (VCV003845787.1).

ClinVar aggregate classification (germline): Uncertain significance (1 of 4 stars; one submission).

Conditions:
Inborn genetic diseases. Identifiers: MedGen C0950123, MeSH D030342.

Submission:

Ambry Genetics
Classification: Uncertain significance for Inborn genetic diseases. Last evaluated: 2024-12-12. Review status: criteria provided, single submitter. Criteria: Ambry Variant Classification Scheme 2023. Collection method: clinical testing. Allele origin: germline.
Comment: The p.P205S variant (also known as c.613C>T), located in coding exon 4 of the ERCC6L2 gene, results from a C to T substitution at nucleotide position 613. The proline at codon 205 is replaced by serine, an amino acid with similar properties. This amino acid position is conserved. In addition, this alteration is predicted to be deleterious by in silico analysis. Based on the available evidence, the clinical significance of this variant remains unclear.